The following is an entry in ClinVar:

NM_001080512.3(BICC1):c.2881C>T (p.Arg961Cys)

Gene: BICC1 (BicC family RNA binding protein 1; plus strand). Cytogenetic location: 10q21.1.
Variant type: single nucleotide variant.
Coding change: c.2881C>T on transcript NM_001080512.3 (MANE Select); coding-DNA position 2881, C replaced by T.
Protein change: p.Arg961Cys; replaces arginine 961 with cysteine.
Molecular consequence: missense variant.
Genome position (GRCh38, 1-based): chr10:58,828,847, C>T. VCF-style: chr10-58828847-C-T. GRCh37 (hg19) VCF-style: chr10-60588607-C-T.
Other names: short protein forms R961C.
Identifiers: ClinVar variation 385341 (VCV000385341.5), dbSNP rs749021662, ClinGen allele CA5508938.
Genomic context (GRCh38, chr10:58,828,847, plus strand): 5'-TTTGAATCGCCAAATGCACGCACCTCTTTCCTGGAAGGTGGAGCGAGTGGAAGGCTACCC[C>T]GTCAGTATCACTCAGACATTGCTAGTGTCAGTGGCCGCTGGTAGCAGCACCCTCTTGGCA-3'
Protein context (NP_001073981.1, residues 951-971): LEGGASGRLP[Arg961Cys]QYHSDIASVS

ClinVar aggregate classification (germline): Uncertain significance. Review status: criteria provided, multiple submitters, no conflicts (2 of 4 stars). 2 submissions from 2 submitters: Uncertain significance (2). Last evaluated 2023-04-07.

Allele frequency attached by ClinVar (database versions not stated): TOPMed 0.00002; gnomAD 0.00003; gnomAD exomes 0.00001; ExAC 0.00002.
gnomAD v4.1: 25 of 1,613,840 alleles (0.0015%); highest among the groups gnomAD compares: South Asian, 0.0044%; no homozygotes.

Submissions (2):

Labcorp Genetics (formerly Invitae), Labcorp
Classification: Uncertain significance. Last evaluated: 2023-04-07. Review status: criteria provided, single submitter. Criteria: Invitae Variant Classification Sherloc (09022015). Collection method: clinical testing. Allele origin: germline.
Comment: This sequence change replaces arginine, which is basic and polar, with cysteine, which is neutral and slightly polar, at codon 961 of the BICC1 protein (p.Arg961Cys). This variant is present in population databases (rs749021662, gnomAD 0.008%). This variant has not been reported in the literature in individuals affected with BICC1-related conditions. ClinVar contains an entry for this variant (Variation ID: 385341). An algorithm developed to predict the effect of missense changes on protein structure and function (PolyPhen-2) suggests that this variant is likely to be disruptive. In summary, the available evidence is currently insufficient to determine the role of this variant in disease. Therefore, it has been classified as a Variant of Uncertain Significance.

GeneDx
Classification: Uncertain significance. Last evaluated: 2016-04-04. Review status: criteria provided, single submitter. Criteria: GeneDx Variant Classification (06012015). Collection method: clinical testing. Allele origin: germline. Affected: yes.
Comment: The R961C variant in the BICC1 gene has not been reported previously as a pathogenic variant, nor as a benign variant, to our knowledge. The R961C variant was not observed in approximately 6500 individuals of European and African American ancestry in the NHLBI Exome Sequencing Project, indicating it is not a common benign variant in these populations. The R961C variant is a non-conservative amino acid substitution, which is likely to impact secondary protein structure as these residues differ in polarity, charge, size and/or other properties. This substitution occurs at a position that is conserved across species. In silico analysis predicts this variant is probably damaging to the protein structure/function. We interpret R961C as a variant of uncertain significance.